The following is an entry in ClinVar:

ClinVar aggregate classification (germline): Uncertain significance (1 of 4 stars; one submission).

Submission:

Labcorp Genetics (formerly Invitae), Labcorp
Classification: Uncertain significance. Last evaluated: 2024-10-21. Review status: criteria provided, single submitter. Criteria: Invitae Variant Classification Sherloc (09022015). Collection method: clinical testing. Allele origin: germline.
Comment: This sequence change replaces leucine, which is neutral and non-polar, with valine, which is neutral and non-polar, at codon 107 of the GNAT2 protein (p.Leu107Val). This variant is not present in population databases (gnomAD no frequency). This variant has not been reported in the literature in individuals affected with GNAT2-related conditions. ClinVar contains an entry for this variant (Variation ID: 1041462). Invitae Evidence Modeling of protein sequence and biophysical properties (such as structural, functional, and spatial information, amino acid conservation, physicochemical variation, residue mobility, and thermodynamic stability) indicates that this missense variant is not expected to disrupt GNAT2 protein function with a negative predictive value of 80%. In summary, the available evidence is currently insufficient to determine the role of this variant in disease. Therefore, it has been classified as a Variant of Uncertain Significance.

NM_001377295.2(GNAT2):c.319C>G (p.Leu107Val)

Gene: GNAT2 (G protein subunit alpha transducin 2; minus strand). Cytogenetic location: 1p13.3.
Variant type: single nucleotide variant.
Coding change: c.319C>G on transcript NM_001377295.2 (MANE Select); coding-DNA position 319, C replaced by G.
Protein change: p.Leu107Val; replaces leucine 107 with valine.
Molecular consequence: missense variant.
Genome position (GRCh38, 1-based): chr1:109,608,773, G>C on the plus strand (C>G on the coding strand, the complement: GNAT2 is on the minus strand). VCF-style: chr1-109608773-G-C. GRCh37 (hg19) VCF-style: chr1-110151395-G-C.
Other names: c.319C>G, p.Leu107Val (NM_001379232.1, NM_005272.5); short protein forms L107V.
Identifiers: ClinVar variation 1041462 (VCV001041462.8), dbSNP rs3738766, ClinGen allele CA341540818.
Genomic context (GRCh38, chr1:109,608,773, plus strand): 5'-TGACCTCCACGAGCTCAGGAGGCATGGTTCCCTCCTCAATGGAGTCAGCCAGGTTGTTGA[G>C]CTGTCGCCCGTCATCCTGTAATGCAGAAACCTGGTTAAGAACTTCACAGGAGTAATAGCT-3'
Protein context (NP_001364224.1, residues 97-117): EPSCADDGRQ[Leu107Val]NNLADSIEEG